The following is an entry in ClinVar:

ClinVar aggregate classification (germline): Conflicting classifications of pathogenicity. Review status: criteria provided, conflicting classifications (1 of 4 stars). 3 submissions from 3 submitters: Uncertain significance (2); Likely benign (1). Last evaluated 2024-11-12.

Conditions:
Hereditary cancer-predisposing syndrome. Also called: Tumor predisposition; Hereditary neoplastic syndrome; Neoplastic Syndromes, Hereditary; Hereditary Cancer Syndrome. Identifiers: Orphanet 140162, MedGen C0027672, MeSH D009386, MONDO:0015356.
Hereditary breast ovarian cancer syndrome. Also called: BRCA1- and BRCA2-Associated Hereditary Breast and Ovarian Cancer; Hereditary breast and ovarian cancer; Hereditary breast and/or ovarian cancer syndrome; Hereditary breast and ovarian cancer syndrome; Hereditary breast and ovarian cancer syndrome (HBOC); Breast and ovarian cancer. Identifiers: Orphanet 145, MedGen C0677776, MeSH D061325, MONDO:0003582. Disease mechanism: loss of function.

Submissions (3):

Ambry Genetics
Classification: Uncertain significance for Hereditary cancer-predisposing syndrome. Last evaluated: 2024-11-12. Review status: criteria provided, single submitter. Criteria: Ambry Variant Classification Scheme 2023. Collection method: clinical testing. Allele origin: germline.
Comment: The p.H270D variant (also known as c.808C>G), located in coding exon 9 of the BRCA1 gene, results from a C to G substitution at nucleotide position 808. The histidine at codon 270 is replaced by aspartic acid, an amino acid with similar properties. This amino acid position is not well conserved in available vertebrate species. In addition, the in silico prediction for this alteration is inconclusive. Based on the available evidence, the clinical significance of this variant remains unclear.

University of Washington Department of Laboratory Medicine, University of Washington
Classification: Likely benign for Hereditary cancer-predisposing syndrome. Last evaluated: 2023-03-23. Review status: criteria provided, single submitter. Criteria: Dines et al. (Genet Med. 2020). Collection method: curation. Allele origin: germline.
Comment: Missense variant in a coldspot region where missense variants are very unlikely to be pathogenic (PMID:31911673).

BRCA1 coldspot (exon 11 using historical exon numbering). Reclassification based on statistical prior probability

Labcorp Genetics (formerly Invitae), Labcorp
Classification: Uncertain significance for Hereditary breast ovarian cancer syndrome. Last evaluated: 2020-11-06. Review status: criteria provided, single submitter. Criteria: Invitae Variant Classification Sherloc (09022015). Collection method: clinical testing. Allele origin: germline.
Comment: This sequence change replaces histidine with aspartic acid at codon 270 of the BRCA1 protein (p.His270Asp). The histidine residue is moderately conserved and there is a moderate physicochemical difference between histidine and aspartic acid. This variant is not present in population databases (ExAC no frequency). This variant has not been reported in the literature in individuals with BRCA1-related conditions. Advanced modeling of protein sequence and biophysical properties (such as structural, functional, and spatial information, amino acid conservation, physicochemical variation, residue mobility, and thermodynamic stability) performed at Invitae indicates that this missense variant is not expected to disrupt BRCA1 protein function. In summary, the available evidence is currently insufficient to determine the role of this variant in disease. Therefore, it has been classified as a Variant of Uncertain Significance.

NM_007294.4(BRCA1):c.808C>G (p.His270Asp)

Gene: BRCA1 (BRCA1 DNA repair associated; minus strand). Cytogenetic location: 17q21.31.
Variant type: single nucleotide variant.
Coding change: c.808C>G on transcript NM_007294.4 (MANE Select); coding-DNA position 808, C replaced by G.
Protein change: p.His270Asp; replaces histidine 270 with aspartic acid.
Molecular consequence: missense variant. On other transcripts: 5 prime UTR variant (2), intron variant (137).
Genome position (GRCh38, 1-based): chr17:43,094,723, G>C on the plus strand (C>G on the coding strand, the complement: BRCA1 is on the minus strand). VCF-style: chr17-43094723-G-C. GRCh37 (hg19) VCF-style: chr17-41246740-G-C.
Other names: c.595C>G, p.His199Asp (NM_001407571.1, NM_001407897.1, NM_001407898.1 and 9 more transcripts); c.808C>G, p.His270Asp (NM_001407581.1, NM_001407582.1, NM_001407583.1 and 30 more transcripts); c.805C>G, p.His269Asp (NM_001407587.1, NM_001407590.1, NM_001407591.1 and 22 more transcripts); c.799C>G, p.His267Asp (NM_001407646.1, NM_001407647.1); c.685C>G, p.His229Asp (NM_001407648.1, NM_001407667.1, NM_001407668.1 and 19 more transcripts); c.682C>G, p.His228Asp (NM_001407649.1, NM_001407670.1, NM_001407671.1 and 11 more transcripts); c.730C>G, p.His244Asp (NM_001407653.1, NM_001407654.1, NM_001407655.1 and 4 more transcripts); c.667C>G, p.His223Asp (NM_001407692.1, NM_001407694.1, NM_001407695.1 and 29 more transcripts); and 40 more; short protein forms H223D, H270D, H142D, H182D, H228D, H244D, H267D, H158D.
Identifiers: ClinVar variation 1497072 (VCV001497072.12), dbSNP rs2054044790, ClinGen allele CA10600465.
Genomic context (GRCh38, chr17:43,094,723, plus strand): 5'-AACTGCTGTTCTCATGCTGTAATGAGCTGGCATGAGTATTTGTGCCACATGGCTCCACAT[G>C]CAAGTTTGAAACAGAACTACCCTGATACTTTTCTGGATGCCTCTCAGCTGCACGCTTCTC-3'
Protein context (NP_009225.1, residues 260-280): KYQGSSVSNL[His270Asp]VEPCGTNTHA